The following is an entry in ClinVar:

NM_182914.3(SYNE2):c.6338A>G (p.Gln2113Arg)

Gene: SYNE2 (spectrin repeat containing nuclear envelope protein 2; plus strand). Cytogenetic location: 14q23.2.
Variant type: single nucleotide variant.
Coding change: c.6338A>G on transcript NM_182914.3 (MANE Select); coding-DNA position 6338, A replaced by G.
Protein change: p.Gln2113Arg; replaces glutamine 2113 with arginine.
Molecular consequence: missense variant.
Genome position (GRCh38, 1-based): chr14:64,026,664, A>G. VCF-style: chr14-64026664-A-G. GRCh37 (hg19) VCF-style: chr14-64493382-A-G.
Other names: c.6338A>G, p.Gln2113Arg (NM_015180.6); short protein forms Q2113R.
Identifiers: ClinVar variation 710558 (VCV000710558.11), dbSNP rs772206760, ClinGen allele CA7220679.

ClinVar aggregate classification (germline): Conflicting classifications of pathogenicity. Review status: criteria provided, conflicting classifications (1 of 4 stars). 3 submissions from 3 submitters: Uncertain significance (1); Likely benign (2). Last evaluated 2026-04-27.

Conditions:
Emery-Dreifuss muscular dystrophy 5, autosomal dominant (EDMD5). Also called: EMERY-DREIFUSS MUSCULAR DYSTROPHY 5. Identifiers: Orphanet 261, MedGen C2751805, MONDO:0013072, OMIM 612999.

Allele frequency attached by ClinVar (database versions not stated): TOPMed 0.00003; gnomAD 0.00009 and 0.00010; gnomAD exomes 0.00012 and 0.00020; ExAC 0.00029.
gnomAD v4.1: 193 of 1,613,354 alleles (0.012%); highest among the groups gnomAD compares: Middle Eastern, 0.13%; 2 homozygotes.

Submissions (3):

Women's Health and Genetics/Laboratory Corporation of America, LabCorp
Classification: Likely benign. Last evaluated: 2026-04-27. Review status: criteria provided, single submitter. Criteria: LabCorp Variant Classification Summary - May 2015. Collection method: clinical testing. Allele origin: germline.
Comment: Variant summary: SYNE2 c.6338A>G (p.Gln2113Arg) results in a conservative amino acid change in the encoded protein sequence. Algorithms developed to predict the effect of missense changes on protein structure and function all suggest that this variant is likely to be tolerated. The variant allele was found at a frequency of 0.00012 in 1613354 control chromosomes, predominantly at a frequency of 0.0011 within the South Asian subpopulation in the gnomAD database, including 2 homozygotes. The observed variant frequency within South Asian control individuals in the gnomAD database exceeds the estimated maximal expected allele frequency for disease-causing variants in SYNE2. To our knowledge, no occurrence of c.6338A>G in individuals affected with SYNE2-related conditions and no experimental evidence demonstrating its impact on protein function have been reported. ClinVar contains an entry for this variant (Variation ID: 710558). Based on the evidence outlined above, the variant was classified as likely benign.

Ambry Genetics
Classification: Uncertain significance. Last evaluated: 2025-08-29. Review status: criteria provided, single submitter. Criteria: Ambry Variant Classification Scheme 2023. Collection method: clinical testing. Allele origin: germline.

Labcorp Genetics (formerly Invitae), Labcorp
Classification: Likely benign for Emery-Dreifuss muscular dystrophy 5, autosomal dominant. Last evaluated: 2025-02-16. Review status: criteria provided, single submitter. Criteria: Invitae Variant Classification Sherloc (09022015). Collection method: clinical testing. Allele origin: germline.